The following is an entry in ClinVar:

NM_006245.4(PPP2R5D):c.1321C>T (p.Arg441Ter)

Gene: PPP2R5D (protein phosphatase 2 regulatory subunit B'delta; plus strand). Cytogenetic location: 6p21.1.
Variant type: single nucleotide variant.
Coding change: c.1321C>T on transcript NM_006245.4 (MANE Select); coding-DNA position 1321, C replaced by T.
Protein change: p.Arg441Ter; replaces arginine 441 with a stop codon.
Molecular consequence: nonsense.
Genome position (GRCh38, 1-based): chr6:43,009,391, C>T. VCF-style: chr6-43009391-C-T. GRCh37 (hg19) VCF-style: chr6-42977129-C-T.
Other names: c.868C>T, p.Arg290Ter (NM_001270476.2); c.1225C>T, p.Arg409Ter (NM_180976.3); c.1003C>T, p.Arg335Ter (NM_180977.3); short protein forms R335*, R409*, R441*, R290*.
Identifiers: ClinVar variation 2850912 (VCV002850912.3), dbSNP rs1581859267, ClinGen allele CA364194571.

ClinVar aggregate classification (germline): Uncertain significance (1 of 4 stars; one submission).

Allele frequency attached by ClinVar (database versions not stated): gnomAD exomes below 0.00001.
gnomAD v4.1: 2 of 1,614,038 alleles (0.00012%); highest among the groups gnomAD compares: Non-Finnish European, 0.00017%; no homozygotes.

Submission:

Labcorp Genetics (formerly Invitae), Labcorp
Classification: Uncertain significance. Last evaluated: 2023-03-30. Review status: criteria provided, single submitter. Criteria: Invitae Variant Classification Sherloc (09022015). Collection method: clinical testing. Allele origin: germline.
Comment: In summary, the available evidence is currently insufficient to determine the role of this variant in disease. Therefore, it has been classified as a Variant of Uncertain Significance. This premature translational stop signal has been observed in individual(s) with neurodevelopmental disorder (PMID: 36403339). This variant is not present in population databases (gnomAD no frequency). This sequence change creates a premature translational stop signal (p.Arg441*) in the PPP2R5D gene. It is expected to result in an absent or disrupted protein product. However, the current clinical and genetic evidence is not sufficient to establish whether loss-of-function variants in PPP2R5D cause disease.

Literature cited by the submitters: PubMed 36403339.